The following is an entry in ClinVar:

NM_000642.3(AGL):c.3259+36C>T

Gene: AGL (amylo-alpha-1,6-glucosidase and 4-alpha-glucanotransferase; plus strand). Cytogenetic location: 1p21.2.
Variant type: single nucleotide variant.
Coding change: c.3259+36C>T on transcript NM_000642.3 (MANE Select); 36 bases into the intron after coding-DNA position 3259, C replaced by T.
Molecular consequence: intron variant.
Genome position (GRCh38, 1-based): chr1:99,892,643, C>T. VCF-style: chr1-99892643-C-T. GRCh37 (hg19) VCF-style: chr1-100358199-C-T.
Other names: c.3259+36C>T (NM_000643.3, NM_000644.3, NM_001425325.1 and 1 more transcripts); c.3211+36C>T (NM_000646.3); c.3238+36C>T (NM_001425326.1); c.3058+36C>T (NM_001425327.1); c.3055+36C>T (NM_001425328.1); c.2920+36C>T (NM_001425329.1); c.2881+36C>T (NM_001425332.1).
Identifiers: ClinVar variation 3050823 (VCV003050823.2), dbSNP rs759776211, ClinGen allele CA967016.

ClinVar aggregate classification (germline): Likely benign (0 of 4 stars; one submission).

Conditions:
AGL-related disorder. Also called: AGL-related condition.

Allele frequency attached by ClinVar (database versions not stated): ExAC 0.00002.
gnomAD v4.1: 5 of 1,591,740 alleles (0.00031%); highest among the groups gnomAD compares: South Asian, 0.0011%; no homozygotes.

Submission:

PreventionGenetics, part of Exact Sciences
Classification: Likely benign for AGL-related condition. Last evaluated: 2022-03-22. Review status: no assertion criteria provided. Collection method: clinical testing. Allele origin: germline.
Comment: This variant is classified as likely benign based on ACMG/AMP sequence variant interpretation guidelines (Richards et al. 2015 PMID: 25741868, with internal and published modifications).